The following is an entry in ClinVar:

NM_032578.4(MYPN):c.689A>C (p.Gln230Pro)

Gene: MYPN (myopalladin; plus strand). Cytogenetic location: 10q21.3.
Variant type: single nucleotide variant.
Coding change: c.689A>C on transcript NM_032578.4 (MANE Select); coding-DNA position 689, A replaced by C.
Protein change: p.Gln230Pro; replaces glutamine 230 with proline.
Molecular consequence: missense variant. On other transcripts: 5 prime UTR variant (1), non-coding transcript variant (1).
Genome position (GRCh38, 1-based): chr10:68,122,127, A>C. VCF-style: chr10-68122127-A-C. GRCh37 (hg19) VCF-style: chr10-69881884-A-C.
Other names: c.689A>C, p.Gln230Pro (NM_001256267.2); c.-434A>C (NM_001256268.2); short protein forms Q230P.
Identifiers: ClinVar variation 948774 (VCV000948774.7), dbSNP rs2042253320, ClinGen allele CA377104907.

ClinVar aggregate classification (germline): Uncertain significance (1 of 4 stars; one submission).

Conditions:
Dilated cardiomyopathy 1KK (CMD1KK). Identifiers: Orphanet 154, Orphanet 75249, MedGen C3714995, MONDO:0014100, OMIM 615248.

Submission:

Labcorp Genetics (formerly Invitae), Labcorp
Classification: Uncertain significance for Dilated cardiomyopathy 1KK. Last evaluated: 2019-05-09. Review status: criteria provided, single submitter. Criteria: Invitae Variant Classification Sherloc (09022015). Collection method: clinical testing. Allele origin: germline.
Comment: In summary, the available evidence is currently insufficient to determine the role of this variant in disease. Therefore, it has been classified as a Variant of Uncertain Significance. Algorithms developed to predict the effect of missense changes on protein structure and function (SIFT, PolyPhen-2, Align-GVGD) all suggest that this variant is likely to be tolerated, but these predictions have not been confirmed by published functional studies and their clinical significance is uncertain. This variant has not been reported in the literature in individuals with MYPN-related conditions. This variant is not present in population databases (ExAC no frequency). This sequence change replaces glutamine with proline at codon 230 of the MYPN protein (p.Gln230Pro). The glutamine residue is weakly conserved and there is a moderate physicochemical difference between glutamine and proline.